The following is an entry in ClinVar:

NM_001377304.1(GFI1B):c.-16G>A

Gene: GFI1B (growth factor independent 1B transcriptional repressor; plus strand). Cytogenetic location: 9q34.13.
Variant type: single nucleotide variant.
Coding change: c.-16G>A on transcript NM_001377304.1 (MANE Select); 16 bases upstream of the start codon, G replaced by A.
Molecular consequence: 5 prime UTR variant.
Genome position (GRCh38, 1-based): chr9:132,986,663, G>A. VCF-style: chr9-132986663-G-A. GRCh37 (hg19) VCF-style: chr9-135862050-G-A.
Other names: c.-16G>A (NM_001135031.2, NM_001371908.1, NM_001377305.1 and 1 more transcripts).
Identifiers: ClinVar variation 2581469 (VCV002581469.2), dbSNP rs201670238, ClinGen allele CA5301784.
Genomic context (GRCh38, chr9:132,986,663, plus strand): 5'-TGGAGGGGTATTGTTCTCTTGTCCTTCCTAACCGCTCCCATCCCTCCCCCTTGCAGGTGT[G>A]GGGTGCACACTGAAAATGCCACGCTCCTTCCTGGTGAAGAGCAAGAAGGCTCACACCTAC-3'

ClinVar aggregate classification (germline): Benign/Likely benign. Review status: criteria provided, multiple submitters, no conflicts (2 of 4 stars). 2 submissions from 2 submitters: Benign (1); Likely benign (1). Last evaluated 2024-11-25.

Allele frequency attached by ClinVar (database versions not stated): gnomAD exomes 0.00012; ExAC 0.00064; TOPMed 0.00139; 1000 Genomes Project 0.00140; gnomAD 0.00141; ESP Exome Variant Server 0.00146; 1000 Genomes Project 30x 0.00156.
gnomAD v4.1: 384 of 1,534,712 alleles (0.025%); highest among the groups gnomAD compares: African/African-American, 0.49%; 1 homozygote.

Submissions (2):

Blueprint Genetics
Classification: Likely benign. Last evaluated: 2024-11-25. Review status: criteria provided, single submitter. Criteria: ACMG Guidelines, 2015. Collection method: clinical testing. Allele origin: germline.

Women's Health and Genetics/Laboratory Corporation of America, LabCorp
Classification: Benign. Last evaluated: 2023-08-31. Review status: criteria provided, single submitter. Criteria: LabCorp Variant Classification Summary - May 2015. Collection method: clinical testing. Allele origin: germline.
Comment: Variant summary: GFI1B c.-16G>A alters a non-conserved nucleotide and is located in the untranslated mRNA region upstream of the initiation codon. Consensus agreement among computation tools predict no significant impact on normal splicing. However, these predictions have yet to be confirmed by functional studies. The variant allele was found at a frequency of 0.0014 in 150916 control chromosomes, predominantly at a frequency of 0.005 within the African or African-American subpopulation in the gnomAD database, including 1 homozygote. The observed variant frequency within African or African-American control individuals in the gnomAD database and presence of a homozygous individual strongly suggest that the variant is a benign polymorphism found primarily in populations of African or African-American origin. To our knowledge, no occurrence of c.-16G>A in individuals affected with Platelet-Type Bleeding Disorder 17 and no experimental evidence demonstrating its impact on protein function have been reported. No submitters have reported clinical-significance assessments for this variant to ClinVar after 2014. Based on the evidence outlined above, the variant was classified as benign.